The following is an entry in ClinVar:

NM_020320.5(RARS2):c.1415+6A>G

Gene: RARS2 (arginyl-tRNA synthetase 2, mitochondrial; minus strand). Cytogenetic location: 6q15.
Variant type: single nucleotide variant.
Coding change: c.1415+6A>G on transcript NM_020320.5 (MANE Select); 6 bases into the intron after coding-DNA position 1415, A replaced by G.
Molecular consequence: intron variant.
Genome position (GRCh38, 1-based): chr6:87,518,624, T>C on the plus strand (A>G on the coding strand, the complement: RARS2 is on the minus strand). VCF-style: chr6-87518624-T-C. GRCh37 (hg19) VCF-style: chr6-88228342-T-C.
Other names: c.1415+6A>G (NM_001350505.2); c.890+6A>G (NM_001350509.2, NM_001318785.2, NM_001350506.2 and 4 more transcripts).
Identifiers: ClinVar variation 2169303 (VCV002169303.2), dbSNP rs768826734, ClinGen allele CA3916293.

ClinVar aggregate classification (germline): Uncertain significance (1 of 4 stars; one submission).

Allele frequency attached by ClinVar (database versions not stated): TOPMed 0.00001; ExAC 0.00004.
gnomAD v4.1: 6 of 1,607,530 alleles (0.00037%); highest among the groups gnomAD compares: Admixed American, 0.01%; no homozygotes.

Submission:

Labcorp Genetics (formerly Invitae), Labcorp
Classification: Uncertain significance. Last evaluated: 2023-08-10. Review status: criteria provided, single submitter. Criteria: Invitae Variant Classification Sherloc (09022015). Collection method: clinical testing. Allele origin: germline.
Comment: In summary, the available evidence is currently insufficient to determine the role of this variant in disease. Therefore, it has been classified as a Variant of Uncertain Significance. Variants that disrupt the consensus splice site are a relatively common cause of aberrant splicing (PMID: 17576681, 9536098). Algorithms developed to predict the effect of sequence changes on RNA splicing suggest that this variant is not likely to affect RNA splicing. ClinVar contains an entry for this variant (Variation ID: 2169303). This variant has not been reported in the literature in individuals affected with RARS2-related conditions. This variant is present in population databases (rs768826734, gnomAD 0.02%). This sequence change falls in intron 16 of the RARS2 gene. It does not directly change the encoded amino acid sequence of the RARS2 protein. It affects a nucleotide within the consensus splice site.

Literature cited by the submitters: PubMed 17576681; PubMed 9536098.